The following is an entry in ClinVar:

NM_000397.4(CYBB):c.565del (p.Ile189fs)

Gene: CYBB (cytochrome b-245 beta chain; plus strand). Cytogenetic location: Xp21.1.
Variant type: Deletion.
Coding change: c.565del on transcript NM_000397.4 (MANE Select); coding-DNA position 565, one base deleted (A; older notation c.565delA).
Protein change: p.Ile189fs; shifts the reading frame from isoleucine 189.
Molecular consequence: frameshift variant.
Genome position (GRCh38, 1-based): chrX:37,796,032, A deleted; the last of 2 consecutive A bases (chrX:37,796,031-37,796,032); deleting either gives the same sequence. VCF-style (leftmost placement, unchanged base first): chrX-37796030-TA-T. GRCh37 (hg19) VCF-style: chrX-37655283-TA-T.
Other names: short protein forms I189fs.
Identifiers: ClinVar variation 1070694 (VCV001070694.7), dbSNP rs2146811730, ClinGen allele CA2499226677.
Genomic context (GRCh38, chrX:37,796,030, plus strand): 5'-ACCTGGCTGTGACCCTGTTGGCAGGCATCACTGGAGTTGTCATCACGCTGTGCCTCATAT[TA>T]ATTATCACTTCCTCCACCAAAACCATCCGGAGGTCTTACTTTGAAGTCTTTTGGTACACA-3'

ClinVar aggregate classification (germline): Pathogenic (1 of 4 stars; one submission).

Conditions:
Granulomatous disease, chronic, X-linked. Also called: CYTOCHROME b-NEGATIVE GRANULOMATOUS DISEASE, CHRONIC, X-LINKED; GRANULOMATOUS DISEASE, CHRONIC, X-LINKED, SOMATIC MOSAIC. Identifiers: Orphanet 379, MedGen C1844376, MONDO:0010600, OMIM 306400.

Submission:

Labcorp Genetics (formerly Invitae), Labcorp
Classification: Pathogenic for Granulomatous disease, chronic, X-linked. Last evaluated: 2021-01-02. Review status: criteria provided, single submitter. Criteria: Invitae Variant Classification Sherloc (09022015). Collection method: clinical testing. Allele origin: germline.
Comment: This variant is not present in population databases (ExAC no frequency). Loss-of-function variants in CYBB are known to be pathogenic (PMID: 9585602, 20729109). This variant has not been reported in the literature in individuals with CYBB-related conditions. This sequence change creates a premature translational stop signal (p.Ile189Leufs*25) in the CYBB gene. It is expected to result in an absent or disrupted protein product. For these reasons, this variant has been classified as Pathogenic.

Literature cited by the submitters: PubMed 9585602; PubMed 20729109.